The following is an entry in ClinVar:

NM_001046.3(SLC12A2):c.1958G>C (p.Arg653Pro)

Gene: SLC12A2 (solute carrier family 12 member 2; plus strand). Cytogenetic location: 5q23.3.
Variant type: single nucleotide variant.
Coding change: c.1958G>C on transcript NM_001046.3 (MANE Select); coding-DNA position 1958, G replaced by C.
Protein change: p.Arg653Pro; replaces arginine 653 with proline.
Molecular consequence: missense variant. On other transcripts: non-coding transcript variant (1).
Genome position (GRCh38, 1-based): chr5:128,148,830, G>C. VCF-style: chr5-128148830-G-C. GRCh37 (hg19) VCF-style: chr5-127484522-G-C.
Other names: c.1958G>C, p.Arg653Pro (NM_001256461.2); short protein forms R653P.
Identifiers: ClinVar variation 5029585 (VCV005029585.1).
Genomic context (GRCh38, chr5:128,148,830, plus strand): 5'-ACATCTACCCAGCTTTCCAGATGTTTGCTAAAGGTTATGGGAAAAATAATGAACCTCTTC[G>C]TGGCTACATCTTAACATTCTTAATTGCACTTGGATTCATCTTAATTGGTTAGTTATATAA-3'
Protein context (NP_001037.1, residues 643-663): KGYGKNNEPL[Arg653Pro]GYILTFLIAL

ClinVar aggregate classification (germline): Uncertain significance (1 of 4 stars; one submission).

Conditions:
Inborn genetic diseases. Identifiers: MedGen C0950123, MeSH D030342.

Submission:

Ambry Genetics
Classification: Uncertain significance for Inborn genetic diseases. Last evaluated: 2026-06-15. Review status: criteria provided, single submitter. Criteria: Ambry Variant Classification Scheme 2023. Collection method: clinical testing. Allele origin: germline.
Comment: The c.1958G>C (p.R653P) alteration is located in exon 12 (coding exon 12) of the SLC12A2 gene. This alteration results from a G to C substitution at nucleotide position 1958, causing the arginine (R) at amino acid position 653 to be replaced by a proline (P). Based on data from gnomAD, the C allele has an overall frequency of <0.001% (1/247022) total alleles studied. The highest observed frequency was 0.001% (1/111988) of European (non-Finnish) alleles. Based on insufficient or conflicting evidence, the clinical significance of this alteration remains unclear.